The following is an entry in ClinVar:

NC_000009.11:g.(?_21968228)_(21974826_?)dup

Gene: CDKN2A (cyclin dependent kinase inhibitor 2A; minus strand). Cytogenetic location: 9p21.3.
Variant type: Duplication.
Identifiers: ClinVar variation 1451030 (VCV001451030.1).

ClinVar aggregate classification (germline): Uncertain significance (1 of 4 stars; one submission).

Conditions:
Familial melanoma. Also called: Hereditary melanoma; Hereditary cutaneous melanoma. Identifiers: Orphanet 618, MedGen C1512419, MONDO:0018961.

Submission:

Labcorp Genetics (formerly Invitae), Labcorp
Classification: Uncertain significance for Familial melanoma. Last evaluated: 2021-04-20. Review status: criteria provided, single submitter. Criteria: Invitae Variant Classification Sherloc (09022015). Collection method: clinical testing. Allele origin: germline.
Comment: The CDKN2A gene encodes two different proteins, p16INK4a and p14ARF, which are translated from alternative transcripts that have different open reading frames. This variant results in a copy number gain of the genomic region encompassing the full coding sequence of the p16INK4a and p14ARF transcripts. The boundaries of this event are unknown as they extend beyond the assayed region for this gene and therefore may encompass additional genes. As the precise location of this event is unknown, it may be in tandem or it may be located elsewhere in the genome. This variant has not been reported in the literature in individuals with CDKN2A (p16INK4a) or CDKN2A (p14ARF)-related conditions. In summary, the available evidence is currently insufficient to determine the role of this variant in disease. Therefore, it has been classified as a Variant of Uncertain Significance.